The following is an entry in ClinVar:

ClinVar aggregate classification (germline): Benign. Review status: reviewed by expert panel (3 of 4 stars). 2 submissions from 2 submitters: Benign (1). 1 of the submissions does not count toward it. Last evaluated 2020-05-13.

Conditions:
Hereditary thrombocytopenia and hematologic cancer predisposition syndrome. Identifiers: Orphanet 71290, MedGen CN281654, MONDO:0011071.
Hereditary thrombocytopenia and hematological cancer predisposition syndrome associated with RUNX1. Also called: PLATELET DISORDER, ASPIRIN-LIKE; RUNX1 Familial Platelet Disorder with Associated Myeloid Malignancies; Familial Platelet Disorder with Propensity to Acute Myelogenous Leukemia; Familial thrombocytopenia with propensity to acute myelogenous leukemia. Identifiers: Orphanet 71290, MedGen C1832388, MeSH C563324, MONDO:0100083, OMIM 601399.

Allele frequency attached by ClinVar (database versions not stated): gnomAD exomes 0.01141; gnomAD 0.03505 and 0.03632; TOPMed 0.04067; 1000 Genomes Project 0.04373; 1000 Genomes Project 30x 0.04606.
gnomAD v4.1: 6,220 of 233,198 alleles (2.7%); highest among the groups gnomAD compares: African/African-American, 11%; 274 homozygotes.

Submissions (2):

ClinGen Myeloid Malignancy Variant Curation Expert Panel
Classification: Benign for Hereditary thrombocytopenia and hematologic cancer predisposition syndrome. Last evaluated: 2020-05-13. Review status: reviewed by expert panel. Criteria: ClinGen MyeloMalig ACMG Specifications v1. Collection method: curation. Allele origin: germline. Inheritance: Autosomal dominant inheritance.
Comment: The NM_001754.4:c.*2285A>C variant in the 3' UTR has an MAF of 0.1077 (10.8%; 937/8698 alleles) in the African subpopulation of the gnomAD v2.1.1 cohort and is >= 0.0015 (0.15%) (BA1). This variant is detected in a homozygous state in 212 individuals in the gnomAD v3 population database (BP2). In summary, this variant meets criteria to be classified as benign. ACMG/AMP criteria applied, as specified by the Myeloid Malignancy Variant Curation Expert Panel for RUNX1: BA1, BP2.

Illumina Laboratory Services, Illumina
Classification: Benign for Hereditary thrombocytopenia and hematological cancer predisposition syndrome associated with RUNX1. Last evaluated: 2018-01-13. Review status: criteria provided, single submitter. Criteria: ICSL Variant Classification Criteria 13 December 2019. Collection method: clinical testing. Allele origin: germline. Not counted in ClinVar's aggregate classification.
Comment: This variant was observed in the ICSL laboratory as part of a predisposition screen in an ostensibly healthy population. It had not been previously curated by ICSL or reported in the Human Gene Mutation Database (HGMD: prior to June 1st, 2018), and was therefore a candidate for classification through an automated scoring system. Utilizing variant allele frequency, disease prevalence and penetrance estimates, and inheritance mode, an automated score was calculated to assess if this variant is too frequent to cause the disease. Based on the score and internal cut-off values, a variant classified as benign is not then subjected to further curation. The score for this variant resulted in a classification of benign for this disease.

NM_001754.5(RUNX1):c.*2285A>C

Gene: RUNX1 (RUNX family transcription factor 1; minus strand). Cytogenetic location: 21q22.12.
Variant type: single nucleotide variant.
Coding change: c.*2285A>C on transcript NM_001754.5 (MANE Select); 2285 bases downstream of the stop codon, A replaced by C.
Molecular consequence: 3 prime UTR variant.
Genome position (GRCh38, 1-based): chr21:34,789,850, T>G on the plus strand (A>C on the coding strand, the complement: RUNX1 is on the minus strand). VCF-style: chr21-34789850-T-G. GRCh37 (hg19) VCF-style: chr21-36162147-T-G.
Other names: c.*2285A>C (NM_001001890.3, NM_001754.4).
Identifiers: ClinVar variation 339835 (VCV000339835.6), dbSNP rs75749444, ClinGen allele CA10652918.